The following is an entry in ClinVar:

NM_001145252.3(CFP):c.121G>A (p.Gly41Ser)

Gene: CFP (complement factor properdin; minus strand). Cytogenetic location: Xp11.23.
Variant type: single nucleotide variant.
Coding change: c.121G>A on transcript NM_001145252.3 (MANE Select); coding-DNA position 121, G replaced by A.
Protein change: p.Gly41Ser; replaces glycine 41 with serine.
Molecular consequence: missense variant.
Genome position (GRCh38, 1-based): chrX:47,629,630, C>T on the plus strand (G>A on the coding strand, the complement: CFP is on the minus strand). VCF-style: chrX-47629630-C-T. GRCh37 (hg19) VCF-style: chrX-47489029-C-T.
Other names: c.121G>A, p.Gly41Ser (NM_002621.2); short protein forms G41S.
Identifiers: ClinVar variation 1166179 (VCV001166179.36), dbSNP rs374687577, ClinGen allele CA10399016.
Genomic context (GRCh38, chrX:47,629,630, plus strand): 5'-CAGTGTTGAGACAGCAGTCTTCCACGCTGACACCACCCCCCAGGAGGCCCTTGCACTTGC[C>T]GGAGGATTCTTCATACTGGGTGAAGCAGAGCACGGGGTCTGAGCCTGTAACAGGGCCAGG-3'
Protein context (NP_001138724.1, residues 31-51): LCFTQYEESS[Gly41Ser]KCKGLLGGGV

ClinVar aggregate classification (germline): Benign/Likely benign. Review status: criteria provided, multiple submitters, no conflicts (2 of 4 stars). 5 submissions from 5 submitters: Benign (1); Likely benign (3). 1 of the submissions does not count toward it. Last evaluated 2026-01-26.

Conditions:
Properdin deficiency, X-linked (CFPD). Also called: COMPLEMENT FACTOR PROPERDIN DEFICIENCY; Properdin deficiency, type 1; PROPERDIN DEFICIENCY, TYPE I; PROPERDIN P FACTOR DEFICIENCY. Identifiers: Orphanet 2966, MedGen C1839454, MONDO:0010713, OMIM 312060.
CFP-related disorder. Also called: CFP-related condition.

Allele frequency attached by ClinVar (database versions not stated): gnomAD exomes 0.00023; gnomAD 0.00030 and 0.00031; TOPMed 0.00030; ExAC 0.00037; ESP Exome Variant Server 0.00038.

Submissions (5):

Labcorp Genetics (formerly Invitae), Labcorp
Classification: Benign. Last evaluated: 2026-01-26. Review status: criteria provided, single submitter. Criteria: Invitae Variant Classification Sherloc (09022015). Collection method: clinical testing. Allele origin: germline.

Blueprint Genetics
Classification: Likely benign. Last evaluated: 2024-11-20. Review status: criteria provided, single submitter. Criteria: ACMG Guidelines, 2015. Collection method: clinical testing. Allele origin: germline.

CeGaT Center for Human Genetics Tuebingen
Classification: Likely benign. Last evaluated: 2023-01-01. Review status: criteria provided, single submitter. Criteria: CeGaT Center For Human Genetics Tuebingen Variant Classification Criteria Version 2. Collection method: clinical testing. Allele origin: germline. Affected: yes. Observed: 3 variant alleles.
Comment: CFP: BP4, BS2

Department of Pathology and Laboratory Medicine, Sinai Health System
Classification: Likely benign for properdin deficiency, X-linked. Last evaluated: 2021-07-30. Review status: criteria provided, single submitter. Criteria: ACMG Guidelines, 2015. Collection method: research. Allele origin: germline.

PreventionGenetics, part of Exact Sciences
Classification: Likely benign for CFP-related condition. Last evaluated: 2024-01-02. Review status: no assertion criteria provided. Collection method: clinical testing. Allele origin: germline. Not counted in ClinVar's aggregate classification.
Comment: This variant is classified as likely benign based on ACMG/AMP sequence variant interpretation guidelines (Richards et al. 2015 PMID: 25741868, with internal and published modifications).